The following is an entry in ClinVar:

ClinVar aggregate classification (germline): Benign (1 of 4 stars; one submission).

Allele frequency attached by ClinVar (database versions not stated): gnomAD 0.00662; TOPMed 0.00985; 1000 Genomes Project 0.01218; 1000 Genomes Project 30x 0.01374.
gnomAD v4.1: 1,005 of 152,046 alleles (0.66%); highest among the groups gnomAD compares: Admixed American, 5.6%; 42 homozygotes.

Submission:

Unidad de Genómica Garrahan, Hospital de Pediatría Garrahan
Classification: Benign. Last evaluated: 2024-01-24. Review status: criteria provided, single submitter. Criteria: ACMG Guidelines, 2015. Collection method: clinical testing. Allele origin: germline. Affected: no. Observed: 19 variant alleles.
Comment: This variant is classified as Benign based on local population frequency. This variant was detected in 20% of patients studied by a panel of primary immunodeficiencies. Number of patients: 19. Only high quality variants are reported.

NM_001242.5(CD27):c.268+492T>A

Genes: CD27 (CD27 molecule; plus strand), CD27-AS1 (CD27 antisense RNA 1; minus strand). Cytogenetic location: 12p13.31.
Variant type: single nucleotide variant.
Coding change: c.268+492T>A on transcript NM_001242.5 (MANE Select); 492 bases into the intron after coding-DNA position 268, T replaced by A.
Molecular consequence: intron variant.
Genome position (GRCh38, 1-based): chr12:6,446,047, T>A. VCF-style: chr12-6446047-T-A. GRCh37 (hg19) VCF-style: chr12-6555213-T-A.
Other names: c.-270-98T>A (NM_001413267.1); c.-183+492T>A (NM_001413266.1, NM_001413268.1); c.274-98T>A (NM_001413263.1); c.268+492T>A (NM_001413265.1); c.241+519T>A (NM_001413264.1).
Identifiers: ClinVar variation 2688344 (VCV002688344.2), dbSNP rs140845603, ClinGen allele CA232316913.